The following is an entry in ClinVar:

ClinVar aggregate classification (germline): Pathogenic/Likely pathogenic. Review status: criteria provided, multiple submitters, no conflicts (2 of 4 stars). 7 submissions from 7 submitters: Pathogenic (3); Likely pathogenic (4). Last evaluated 2025-12-27.

Conditions:
TH-deficient dopa-responsive dystonia. Also called: DYT-TH; Tyrosine Hydroxylase-Deficient Dopa-Responsive Dystonia; Segawa syndrome, autosomal recessive. Identifiers: Orphanet 101150, MedGen C2673535, MONDO:0011551, OMIM 605407.

Allele frequency attached by ClinVar (database versions not stated): TOPMed 0.00004; gnomAD exomes 0.00001; ExAC 0.00002; gnomAD 0.00004.
gnomAD v4.1: 27 of 1,546,302 alleles (0.0017%); highest among the groups gnomAD compares: African/African-American, 0.0097%; no homozygotes.

Submissions (7):

Natera, Inc.
Classification: Likely pathogenic for Autosomal recessive Segawa syndrome. Last evaluated: 2025-12-27. Review status: criteria provided, single submitter. Criteria: Natera Variant Classification Schema (03/2026). Collection method: clinical testing. Allele origin: germline.
Comment: The c.1475C>T variant in TH is a missense variant predicted to cause substitution of proline to leucine at amino acid 492. This variant is rare in the general population with a frequency below the threshold expected for the associated phenotype(s). This variant has been observed in one or more individuals affected with the associated recessive disease, as either homozygous or compound heterozygous with a second variant (PMID: 33742171, 17696123, 20430833). Computational prediction algorithms indicate this variant is likely to affect gene or protein function. Given the available evidence, this variant is classified as Likely Pathogenic.

Labcorp Genetics (formerly Invitae), Labcorp
Classification: Pathogenic for TH-deficient dopa-responsive dystonia. Last evaluated: 2025-12-06. Review status: criteria provided, single submitter. Criteria: Invitae Variant Classification Sherloc (09022015). Collection method: clinical testing. Allele origin: germline.
Comment: This sequence change replaces proline, which is neutral and non-polar, with leucine, which is neutral and non-polar, at codon 492 of the TH protein (p.Pro492Leu). The frequency data for this variant in the population databases is considered unreliable, as metrics indicate poor data quality at this position in the gnomAD database. This missense change has been observed in individual(s) with clinical features of TH-related conditions (PMID: 17696123, 20430833; internal data). In at least one individual the data is consistent with being in trans (on the opposite chromosome) from a pathogenic variant. ClinVar contains an entry for this variant (Variation ID: 1004173). Invitae Evidence Modeling of protein sequence and biophysical properties (such as structural, functional, and spatial information, amino acid conservation, physicochemical variation, residue mobility, and thermodynamic stability) indicates that this missense variant is expected to disrupt TH protein function with a positive predictive value of 80%. Experimental studies have shown that this missense change affects TH function (PMID: 24753243). This variant disrupts the p.Pro492 amino acid residue in TH. Other variant(s) that disrupt this residue have been observed in individuals with TH-related conditions (PMID: 20399390), which suggests that this may be a clinically significant amino acid residue. For these reasons, this variant has been classified as Pathogenic.

3billion
Classification: Pathogenic for TH-deficient dopa-responsive dystonia. Last evaluated: 2025-07-01. Review status: criteria provided, single submitter. Criteria: ACMG Guidelines, 2015. Collection method: clinical testing. Allele origin: germline. Affected: yes.
Comment: The variant is observed at an extremely low frequency in the gnomAD v4.1.0 dataset (total allele frequency: 0.002%). Predicted Consequence/Location: Missense variant Functional studies provide strong evidence of the variant having a damaging effect on the gene or gene product (PMID: 24753243). In silico tool predictions suggest damaging effect of the variant on gene or gene product [REVEL: 0.91 (>=0.6, sensitivity 0.68 and specificity 0.92); 3Cnet: 0.91 (> 0.75, sensitivity 0.96 and precision 0.92)]. The same nucleotide change resulting in the same amino acid change has been previously reported as pathogenic/likely pathogenic with strong evidence (ClinVar ID: VCV001004173 /PMID: 17696123). No sentences A different missense change at the same codon (p.Pro461Arg) has been reported to be associated with TH-related disorder (PMID: 20399390). Therefore, this variant is classified as Pathogenic according to the recommendation of ACMG/AMP guideline.

Baylor Genetics
Classification: Likely pathogenic for TH-deficient dopa-responsive dystonia. Last evaluated: 2024-03-24. Review status: criteria provided, single submitter. Criteria: ACMG Guidelines, 2015. Collection method: clinical testing. Allele origin: unknown.

Fulgent Genetics
Classification: Likely pathogenic for TH-deficient dopa-responsive dystonia. Last evaluated: 2024-02-05. Review status: criteria provided, single submitter. Criteria: ACMG Guidelines, 2015. Collection method: clinical testing. Allele origin: germline.

Women's Health and Genetics/Laboratory Corporation of America, LabCorp
Classification: Pathogenic for TH-deficient dopa-responsive dystonia. Last evaluated: 2022-02-17. Review status: criteria provided, single submitter. Criteria: LabCorp Variant Classification Summary - May 2015. Collection method: clinical testing. Allele origin: germline.
Comment: Variant summary: TH c.1475C>T (p.Pro492Leu) results in a non-conservative amino acid change located in the catalytic domain (IPR041903) of the encoded protein sequence. Five of five in-silico tools predict a damaging effect of the variant on protein function. The variant allele was found at a frequency of 1.5e-05 in 203614 control chromosomes (gnomAD). The variant, c.1475C>T, has been reported in the literature in multiple homozygous and compound heterozygous individuals affected with tyrosine hydroxylase (TH) deficiency or TH deficiency related clinical symptoms (Verbeek_2007, Willemsen_2010, Monies_2019, Ali_2020, Sallevelt_2021). These data indicate that the variant is very likely to be associated with disease. At least one publication reported experimental evidence evaluating an impact on protein function, and demonstrated that the variant protein had no measurable enzyme activity in a bacterial expression system (Fossbakk_2014). Two clinical diagnostic laboratories have submitted clinical-significance assessments for this variant to ClinVar after 2014, and one laboratory classified the variant as likely pathogenic, while the other laboratory classified the variant as uncertain significance. Based on the evidence outlined above, the variant was classified as pathogenic.

Myriad Genetics, Inc.
Classification: Likely pathogenic for TH-deficient dopa-responsive dystonia. Last evaluated: 2021-11-03. Review status: criteria provided, single submitter. Criteria: Myriad Women's Health Autosomal Recessive and X-Linked Classification Criteria (2021). Collection method: clinical testing. Allele origin: unknown.
Comment: NM_199292.2(TH):c.1475C>T(P492L) is a missense variant classified as likely pathogenic in the context of tyrosine hydroxylase deficiency. P492L has been observed in cases with relevant disease (PMID: 20430833, 17696123, 31273557, 33742171). Functional assessments of this variant are available in the literature (PMID: 24753243). P492L has been observed in population frequency databases (gnomAD AFR 0.01%). In summary, NM_199292.2(TH):c.1475C>T(P492L) is a missense variant that has been observed more frequently in cases with the relevant disease than in healthy populations. Please note: this variant was assessed in the context of healthy population screening.

Literature cited by the submitters: PubMed 33742171 (cited by 3 submitters); PubMed 17696123 (cited by 5 submitters); PubMed 20430833 (cited by 4 submitters); PubMed 24753243 (cited by 4 submitters); PubMed 20399390 (cited by Labcorp Genetics (formerly Invitae), Labcorp and 3billion); PubMed 31130284 (cited by Women's Health and Genetics/Laboratory Corporation of America, LabCorp); PubMed 31273557 (cited by Women's Health and Genetics/Laboratory Corporation of America, LabCorp and Myriad Genetics, Inc.).

NM_000360.4(TH):c.1382C>T (p.Pro461Leu)

Gene: TH (tyrosine hydroxylase; minus strand). Cytogenetic location: 11p15.5.
Variant type: single nucleotide variant.
Coding change: c.1382C>T on transcript NM_000360.4 (MANE Select); coding-DNA position 1382, C replaced by T.
Protein change: p.Pro461Leu; replaces proline 461 with leucine.
Molecular consequence: missense variant.
Genome position (GRCh38, 1-based): chr11:2,164,345, G>A on the plus strand (C>T on the coding strand, the complement: TH is on the minus strand). VCF-style: chr11-2164345-G-A. GRCh37 (hg19) VCF-style: chr11-2185575-G-A.
Other names: c.1475C>T (NM_199292.2); c.1475C>T, p.Pro492Leu (NM_199292.3); c.1463C>T, p.Pro488Leu (NM_199293.3); short protein forms P461L, P488L, P492L.
Identifiers: ClinVar variation 1004173 (VCV001004173.20), dbSNP rs767635052, ClinGen allele CA5818258.
Genomic context (GRCh38, chr11:2,164,345, plus strand): 5'-CCCTCCAGGGAGCGCCGCACGGCCTGGGGGCTGTCCAGCACGTCGATGGCCAGCGTGTAC[G>A]GGTCGAACTTCACGGAGAAGGGGCGCTGGATGCGTGAGGCATAGCTCCTGGGGAGGAGAG-3'
Protein context (NP_000351.2, residues 451-471): IQRPFSVKFD[Pro461Leu]YTLAIDVLDS